The following is an entry in ClinVar:

ClinVar aggregate classification (germline): Likely benign. Review status: criteria provided, multiple submitters, no conflicts (2 of 4 stars). 2 submissions from 2 submitters: Likely benign (2). Last evaluated 2025-03-10.

Conditions:
Lynch syndrome. Identifiers: Orphanet 144, MedGen C4552100, MONDO:0005835. Disease mechanism: loss of function.
Hereditary nonpolyposis colorectal neoplasms. Identifiers: MedGen C0009405, MeSH D003123.

Submissions (2):

Labcorp Genetics (formerly Invitae), Labcorp
Classification: Likely benign for Hereditary nonpolyposis colorectal neoplasms. Last evaluated: 2025-03-10. Review status: criteria provided, single submitter. Criteria: Invitae Variant Classification Sherloc (09022015). Collection method: clinical testing. Allele origin: germline.

All of Us Research Program, National Institutes of Health
Classification: Likely benign for Lynch syndrome. Last evaluated: 2023-04-28. Review status: criteria provided, single submitter. Criteria: ACMG Guidelines, 2015. Collection method: clinical testing. Allele origin: germline. Inheritance: Autosomal dominant inheritance. Observed: 1 variant allele, 1 heterozygote.
Comment: This study involves interpretation of variants in research participants for the purpose of population health screening. Participant phenotype was not available at the time of variant classification. Additional details can be found in publication PMID: 35346344, PMCID: PMC8962531

NM_000535.7(PMS2):c.1882C>A (p.Arg628=)

Gene: PMS2 (PMS1 homolog 2, mismatch repair system component; minus strand). Cytogenetic location: 7p22.1.
Variant type: single nucleotide variant.
Coding change: c.1882C>A on transcript NM_000535.7 (MANE Select); coding-DNA position 1882, C replaced by A.
Protein change: p.Arg628=; no amino-acid change (arginine 628 retained).
Molecular consequence: synonymous variant. On other transcripts: non-coding transcript variant (1), intron variant (1).
Genome position (GRCh38, 1-based): chr7:5,986,883, G>T on the plus strand (C>A on the coding strand, the complement: PMS2 is on the minus strand). VCF-style: chr7-5986883-G-T. GRCh37 (hg19) VCF-style: chr7-6026514-G-T.
Other names: c.1477C>A, p.Arg493= (NM_001018040.1, NM_001322003.2, NM_001322004.2 and 17 more transcripts); c.1726C>A, p.Arg576= (NM_001322006.2, NM_001406870.1); c.1564C>A, p.Arg522= (NM_001322007.2, NM_001322008.2, NM_001406876.1 and 2 more transcripts); c.1321C>A, p.Arg441= (NM_001322010.2, NM_001406906.1, NM_001406907.1); c.949C>A, p.Arg317= (NM_001322011.2, NM_001322012.2); c.1309C>A, p.Arg437= (NM_001322013.2, NM_001406909.1); c.1882C>A, p.Arg628= (NM_001322014.2, NM_001406871.1, NM_001406872.1); c.1573C>A, p.Arg525= (NM_001322015.2, NM_001406875.1, NM_001406877.1 and 5 more transcripts); and 13 more.
Identifiers: ClinVar variation 3070540 (VCV003070540.3), dbSNP rs63750451, ClinGen allele CA453745742.